The following is an entry in ClinVar:

NM_015072.5(TTLL5):c.1214G>A (p.Arg405Gln)

Gene: TTLL5 (tubulin tyrosine ligase like 5; plus strand). Cytogenetic location: 14q24.3.
Variant type: single nucleotide variant.
Coding change: c.1214G>A on transcript NM_015072.5 (MANE Select); coding-DNA position 1214, G replaced by A.
Protein change: p.Arg405Gln; replaces arginine 405 with glutamine.
Molecular consequence: missense variant.
Genome position (GRCh38, 1-based): chr14:75,735,222, G>A. VCF-style: chr14-75735222-G-A. GRCh37 (hg19) VCF-style: chr14-76201565-G-A.
Other names: c.1214G>A (NM_015072.4); short protein forms R405Q.
Identifiers: ClinVar variation 1041247 (VCV001041247.8), dbSNP rs370288328, ClinGen allele CA7279289.

ClinVar aggregate classification (germline): Uncertain significance. Review status: criteria provided, multiple submitters, no conflicts (2 of 4 stars). 4 submissions from 4 submitters: Uncertain significance (4). Last evaluated 2025-11-10.

Conditions:
TTLL5-related disorder. Also called: TTLL5-related condition.
Inborn genetic diseases. Identifiers: MedGen C0950123, MeSH D030342.

Allele frequency attached by ClinVar (database versions not stated): gnomAD exomes 0.00004 and 0.00016; gnomAD 0.00005 and 0.00009; ESP Exome Variant Server 0.00008; TOPMed 0.00010; ExAC 0.00016; 1000 Genomes Project 30x 0.00031; 1000 Genomes Project 0.00040.

Submissions (4):

PreventionGenetics, part of Exact Sciences
Classification: Uncertain significance for TTLL5-related condition. Last evaluated: 2025-11-10. Review status: criteria provided, single submitter. Criteria: ACMG Guidelines, 2015. Collection method: clinical testing. Allele origin: germline.
Comment: The TTLL5 c.1214G>A variant is predicted to result in the amino acid substitution p.Arg405Gln. To our knowledge, this variant has not been reported in the literature. This variant is reported in 0.13% of alleles in individuals of East Asian descent in gnomAD, which may be too frequent to be a primary cause of disease. Although we suspect that this variant may be benign, at this time, the clinical significance of this variant is uncertain due to the absence of conclusive functional and genetic evidence.

Labcorp Genetics (formerly Invitae), Labcorp
Classification: Uncertain significance. Last evaluated: 2023-09-28. Review status: criteria provided, single submitter. Criteria: Invitae Variant Classification Sherloc (09022015). Collection method: clinical testing. Allele origin: germline.
Comment: ClinVar contains an entry for this variant (Variation ID: 1041247). This sequence change replaces arginine, which is basic and polar, with glutamine, which is neutral and polar, at codon 405 of the TTLL5 protein (p.Arg405Gln). This variant is present in population databases (rs370288328, gnomAD 0.1%). This variant has not been reported in the literature in individuals affected with TTLL5-related conditions. Advanced modeling of protein sequence and biophysical properties (such as structural, functional, and spatial information, amino acid conservation, physicochemical variation, residue mobility, and thermodynamic stability) performed at Invitae indicates that this missense variant is not expected to disrupt TTLL5 protein function. In summary, the available evidence is currently insufficient to determine the role of this variant in disease. Therefore, it has been classified as a Variant of Uncertain Significance.

Blueprint Genetics
Classification: Uncertain significance. Last evaluated: 2023-08-10. Review status: criteria provided, single submitter. Criteria: ACMG Guidelines, 2015. Collection method: clinical testing. Allele origin: germline.

Ambry Genetics
Classification: Uncertain significance for Inborn genetic diseases. Last evaluated: 2022-05-09. Review status: criteria provided, single submitter. Criteria: Ambry Variant Classification Scheme 2023. Collection method: clinical testing. Allele origin: germline.